The following is an entry in ClinVar:

NM_012472.6(DNAAF11):c.630del (p.Trp210fs)

Gene: DNAAF11 (dynein axonemal assembly factor 11; minus strand). Cytogenetic location: 8q24.22.
Variant type: Deletion.
Coding change: c.630del on transcript NM_012472.6 (MANE Select); coding-DNA position 630, one base deleted (G; older notation c.630delG).
Protein change: p.Trp210fs; shifts the reading frame from tryptophan 210.
Molecular consequence: frameshift variant. On other transcripts: non-coding transcript variant (1).
Genome position (GRCh38, 1-based): chr8:132,632,763, C deleted on the plus strand (G on the coding strand, the reverse complement: DNAAF11 is on the minus strand); the first of 2 consecutive C bases (chr8:132,632,763-132,632,764); deleting either gives the same sequence. VCF-style (leftmost placement, unchanged base first): chr8-132632762-AC-A. GRCh37 (hg19) VCF-style: chr8-133645008-AC-A.
Other names: c.630delG (NM_012472.5, NM_012472.6); c.630del, p.Trp210fs (NM_001321961.2); c.384del, p.Trp128fs (NM_001321962.2); c.270del, p.Trp90fs (NM_001321963.2, NM_001321964.2, NM_001321965.2 and 1 more transcripts); short protein forms W128fs, W210fs, W90fs.
Identifiers: ClinVar variation 208996 (VCV000208996.22), dbSNP rs760123202, ClinGen allele CA346940.

ClinVar aggregate classification (germline): Pathogenic. Review status: criteria provided, multiple submitters, no conflicts (2 of 4 stars). 10 submissions from 10 submitters: Pathogenic (6). 4 of the submissions do not count toward it. Last evaluated 2026-02-09.

Conditions:
DNAAF11-related disorder. Also called: DNAAF11-related condition.
DNAAF11 & LRRC6-related disorders.
Primary ciliary dyskinesia. Also called: Ciliary dyskinesia. Identifiers: Orphanet 244, MedGen C0008780, MONDO:0016575, HP:0012265.
Primary ciliary dyskinesia 19. Also called: CILIARY DYSKINESIA, PRIMARY, 19, WITH OR WITHOUT SITUS INVERSUS. Identifiers: Orphanet 244, MedGen C3543826, MONDO:0013979, OMIM 614935.
Kartagener syndrome (CILD1). Also called: CILIARY DYSKINESIA, PRIMARY, 1; CILIARY DYSKINESIA, PRIMARY, 1, WITH OR WITHOUT SITUS INVERSUS; POLYNESIAN BRONCHIECTASIS; SIEWERT SYNDROME; Dextrocardia bronchiectasis and sinusitis; IMMOTILE CILIA SYNDROME. Identifiers: Orphanet 244, MedGen C4551906, MONDO:0009484, OMIM 244400.

Submissions (10):

Clinical Genetics and Genomics, Karolinska University Hospital
Classification: Pathogenic for Primary ciliary dyskinesia 19. Last evaluated: 2026-02-09. Review status: criteria provided, single submitter. Criteria: ACMG Guidelines, 2015. Collection method: clinical testing. Allele origin: germline. Inheritance: Autosomal recessive inheritance. Affected: yes.

Labcorp Genetics (formerly Invitae), Labcorp
Classification: Pathogenic for Primary ciliary dyskinesia 19. Last evaluated: 2025-12-30. Review status: criteria provided, single submitter. Criteria: Invitae Variant Classification Sherloc (09022015). Collection method: clinical testing. Allele origin: germline.
Comment: This sequence change creates a premature translational stop signal (p.Trp210Cysfs*12) in the LRRC6 gene. It is expected to result in an absent or disrupted protein product. Loss-of-function variants in LRRC6 are known to be pathogenic (PMID: 23122589). This variant is present in population databases (rs760123202, gnomAD 0.1%). This premature translational stop signal has been observed in individuals with primary ciliary dyskinesia (PMID: 23891469, 24307375). ClinVar contains an entry for this variant (Variation ID: 208996). For these reasons, this variant has been classified as Pathogenic.

Department of Genetics, Sultan Qaboos University Hospital
Classification: Pathogenic for Primary ciliary dyskinesia. Last evaluated: 2025-08-15. Review status: criteria provided, single submitter. Criteria: ACMG Guidelines, 2015. Collection method: research. Allele origin: germline. Affected: yes.

First Genomix Gene Laboratory, Genetic Diagnostics Department
Classification: Pathogenic for Primary ciliary dyskinesia 19. Last evaluated: 2025-05-23. Review status: criteria provided, single submitter. Criteria: ACMG Guidelines, 2015. Collection method: clinical testing. Allele origin: germline. Inheritance: Autosomal recessive inheritance. Affected: no. Observed: 1 variant allele.

Blueprint Genetics
Classification: Pathogenic for DNAAF11 & LRRC6-related disorders. Last evaluated: 2024-08-14. Review status: criteria provided, single submitter. Criteria: ACMG Guidelines, 2015. Collection method: clinical testing. Allele origin: germline. Affected: yes. Observed: 5 variant alleles.

Ambry Genetics
Classification: Pathogenic for Primary ciliary dyskinesia. Last evaluated: 2017-09-19. Review status: criteria provided, single submitter. Criteria: Ambry Variant Classification Scheme 2023. Collection method: clinical testing. Allele origin: germline.
Comment: The c.630delG pathogenic mutation, located in coding exon 5 of the LRRC6 gene, results from a deletion of one nucleotide at nucleotide position 630, causing a translational frameshift with a predicted alternate stop codon (p.W210Cfs*12). This mutation was identified in the homozygous state in affected individuals from 7 primary ciliary dyskinesia families (Zariwala MA et al. Am. J. Hum. Genet., 2013 Aug;93:336-45; Marshall CR et al. G3 (Bethesda), 2015 Jul;5:1775-81). In addition to the clinical data presented in the literature, this alteration is expected to result in loss of function by premature protein truncation or nonsense-mediated mRNA decay. As such, this alteration is interpreted as a disease-causing mutation.

Clinical Genetics Laboratory, University Hospital Schleswig-Holstein
Classification: Pathogenic for Primary ciliary dyskinesia 19. Last evaluated: 2025-04-29. Review status: no assertion criteria provided. Collection method: clinical testing. Allele origin: germline. Affected: yes. Not counted in ClinVar's aggregate classification.

PreventionGenetics, part of Exact Sciences
Classification: Pathogenic for DNAAF11-related condition. Last evaluated: 2024-08-23. Review status: no assertion criteria provided. Collection method: clinical testing. Allele origin: germline. Not counted in ClinVar's aggregate classification.
Comment: The DNAAF11 c.630delG variant is predicted to result in a frameshift and premature protein termination (p.Trp210Cysfs*12). This particular variant has been reported in the homozygous state in multiple unrelated individuals with primary ciliary dyskinesia with or without situs inversus (Zariwala et al. 2013. PubMed ID: 23891469; Watson et al. 2014. PubMed ID: 24307375, Table S8; Marshall et al. 2015. PubMed ID: 26139845). This variant is reported in 0.13% of alleles in individuals of South Asian descent in gnomAD and has been classified as pathogenic in ClinVar. Frameshift variants in DNAAF11 are expected to be pathogenic. This variant is interpreted as pathogenic.

OMIM
Classification: Pathogenic for CILIARY DYSKINESIA, PRIMARY, 19. Last evaluated: 2013-08-08. Review status: no assertion criteria provided. Collection method: literature only. Allele origin: germline. Not counted in ClinVar's aggregate classification.

GeneReviews
No classification provided. Condition: Kartagener syndrome. Review status: no classification provided. Collection method: literature only. Allele origin: germline. Affected: yes. Not counted in ClinVar's aggregate classification.

Literature cited by the submitters: PubMed 23122589 (cited by Labcorp Genetics (formerly Invitae), Labcorp); PubMed 23891469 (cited by 4 submitters); PubMed 24307375 (cited by Labcorp Genetics (formerly Invitae), Labcorp and GeneReviews); PubMed 26139845 (cited by Ambry Genetics); NCBI Bookshelf NBK1122 (cited by GeneReviews).